The following is an entry in ClinVar:

ClinVar aggregate classification (germline): Pathogenic/Likely pathogenic. Review status: criteria provided, multiple submitters, no conflicts (2 of 4 stars). 5 submissions from 5 submitters: Pathogenic (2); Likely pathogenic (2). 1 of the submissions does not count toward it. Last evaluated 2023-10-17.

Conditions:
Hermansky-Pudlak syndrome (HPS). Also called: ALBINISM WITH HEMORRHAGIC DIATHESIS AND PIGMENTED RETICULOENDOTHELIAL CELLS. Identifiers: Orphanet 79430, MedGen C0079504, MONDO:0019312.
Hermansky-Pudlak syndrome 3 (HPS3). Identifiers: Orphanet 231512, Orphanet 79430, MedGen C3888001, MONDO:0013555, OMIM 614072.

Allele frequency attached by ClinVar (database versions not stated): gnomAD exomes below 0.00001 and 0.00001; gnomAD 0.00001.
gnomAD v4.1: 5 of 1,314,972 alleles (0.00038%); highest among the groups gnomAD compares: South Asian, 0.0059%; no homozygotes.

Submissions (5):

Labcorp Genetics (formerly Invitae), Labcorp
Classification: Pathogenic. Last evaluated: 2023-10-17. Review status: criteria provided, single submitter. Criteria: Invitae Variant Classification Sherloc (09022015). Collection method: clinical testing. Allele origin: germline.
Comment: This sequence change affects a donor splice site in intron 14 of the HPS3 gene. RNA analysis indicates that disruption of this splice site induces altered splicing and likely results in a shortened protein product. This variant is present in population databases (no rsID available, gnomAD 0.01%). Disruption of this splice site has been observed in individual(s) with Hermansky-Pudlak syndrome (PMID: 11590544, 31898847). In at least one individual the data is consistent with being in trans (on the opposite chromosome) from a pathogenic variant. It has also been observed to segregate with disease in related individuals. ClinVar contains an entry for this variant (Variation ID: 1067518). Studies have shown that disruption of this splice site results in skipping of exon 14, but is expected to preserve the integrity of the reading-frame (PMID: 11590544). For these reasons, this variant has been classified as Pathogenic.

Baylor Genetics
Classification: Likely pathogenic for Hermansky-Pudlak syndrome 3. Last evaluated: 2023-05-31. Review status: criteria provided, single submitter. Criteria: ACMG Guidelines, 2015. Collection method: clinical testing. Allele origin: unknown.

Revvity Omics, Revvity
Classification: Likely pathogenic for Hermansky-Pudlak syndrome 3. Last evaluated: 2022-01-04. Review status: criteria provided, single submitter. Criteria: ACMG Guidelines, 2015. Collection method: clinical testing. Allele origin: germline.

3billion
Classification: Pathogenic for Hermansky-Pudlak syndrome 3. Last evaluated: 2022-01-03. Review status: criteria provided, single submitter. Criteria: ACMG Guidelines, 2015. Collection method: clinical testing. Allele origin: germline. Affected: yes. Observed: 1 homozygote.
Comment: Canonical splice site: predicted to alter splicing and result in a loss or disruption of normal protein function through protein truncation. Multiple pathogenic variants are reported in the predicted truncated region (PVS1_VS). The variant has been reported to be associated with HPS3 related disorder (ClinVar ID: VCV001067518).It is observed at an extremely low frequency in the gnomAD v2.1.1 dataset (total allele frequency: 0.000012, PM2_M). Therefore, this variant is classified as pathogenic according to the recommendation of ACMG/AMP guideline.

Natera, Inc.
Classification: Likely pathogenic for Hermansky-Pudlak syndrome. Last evaluated: 2017-06-23. Review status: no assertion criteria provided. Collection method: clinical testing. Allele origin: germline. Not counted in ClinVar's aggregate classification.

Literature cited by the submitters: PubMed 11590544 (cited by Labcorp Genetics (formerly Invitae), Labcorp); PubMed 31898847 (cited by Labcorp Genetics (formerly Invitae), Labcorp).

NM_032383.5(HPS3):c.2589+2T>C

Genes: CP (ceruloplasmin; minus strand), HPS3 (HPS3 biogenesis of lysosomal organelles complex 2 subunit 1; plus strand). Cytogenetic location: 3q24.
Variant type: single nucleotide variant.
Coding change: c.2589+2T>C on transcript NM_032383.5 (MANE Select); the canonical splice donor site of the intron after coding-DNA position 2589, T replaced by C.
Molecular consequence: splice donor variant.
Genome position (GRCh38, 1-based): chr3:149,163,951, T>C. VCF-style: chr3-149163951-T-C. GRCh37 (hg19) VCF-style: chr3-148881738-T-C.
Other names: c.2094+2T>C (NM_001308258.2).
Identifiers: ClinVar variation 1067518 (VCV001067518.15), dbSNP rs1411572278, ClinGen allele CA354924908.
Genomic context (GRCh38, chr3:149,163,951, plus strand): 5'-TAATATCATCTGATTCTTTAGCTGATAAAAATTATACAGAAGATCTTTCAAAATTACAGG[T>C]AAGTAAAAATACCTCCTTTTCTTATGAAATTGCATATTACAATATAGTGTAAGATTAAAT-3'